The following is an entry in ClinVar:

ClinVar aggregate classification (germline): Pathogenic (1 of 4 stars; one submission).

Conditions:
Glycogen storage disease, type V (GSD5). Also called: MCARDLE DISEASE; MUSCLE GLYCOGEN PHOSPHORYLASE DEFICIENCY; MYOPHOSPHORYLASE DEFICIENCY; PYGM DEFICIENCY; McArdle type glycogen storage disease. Identifiers: Orphanet 368, MedGen C0017924, MONDO:0009293, OMIM 232600.

Submission:

Myriad Genetics, Inc.
Classification: Pathogenic for Glycogen storage disease, type V. Last evaluated: 2026-06-08. Review status: criteria provided, single submitter. Criteria: Myriad Autosomal Dominant, Autosomal Recessive and X-Linked Classification Criteria (2023). Collection method: clinical testing. Allele origin: unknown.
Comment: NM_005609.2(PYGM):c.1361dupA(N454Kfs*21) is expected to be pathogenic in the context of glycogen storage disease, PYGM-related. This variant is predicted to lead to an abnormal or absent protein product due to the creation of a premature termination codon in PYGM, a gene where loss-of-function variants are known to be pathogenic. Please note: this variant was assessed in the context of healthy population screening.

NM_005609.4(PYGM):c.1361dup (p.Asn454fs)

Gene: PYGM (glycogen phosphorylase, muscle associated; minus strand). Cytogenetic location: 11q13.1.
Variant type: Duplication.
Coding change: c.1361dup on transcript NM_005609.4 (MANE Select); coding-DNA position 1361, one base duplicated (A; older notation c.1361dupA).
Protein change: p.Asn454fs; shifts the reading frame from asparagine 454.
Molecular consequence: frameshift variant.
Genome position (GRCh38, 1-based): chr11:64,753,561, T duplicated on the plus strand (A on the coding strand, the reverse complement: PYGM is on the minus strand); the first of 2 consecutive T bases (chr11:64,753,561-64,753,562); duplicating either gives the same sequence. VCF-style (leftmost placement, unchanged base first): chr11-64753560-G-GT. GRCh37 (hg19) VCF-style: chr11-64521032-G-GT.
Other names: c.1097dup, p.Asn366fs (NM_001164716.1); short protein forms N366fs, N454fs.
Identifiers: ClinVar variation 5016007 (VCV005016007.1).
Genomic context (GRCh38, chr11:64,753,560, plus strand): 5'-TCTGGAAAGCGGGGCTCACATGGTCTTCTTGAGGATCTCGGAGTGGATGCGCGCCACGCC[G>GT]TTGACGGCGTGCGACCCCGCGATGCACAGGTGTGCCATGTTGATGCGCTTCACTGCGCCC-3'